The following is an entry in ClinVar:

NM_133497.4(KCNV2):c.256C>G (p.Pro86Ala)

Gene: KCNV2 (potassium voltage-gated channel modifier subfamily V member 2; plus strand). Cytogenetic location: 9p24.2.
Variant type: single nucleotide variant.
Coding change: c.256C>G on transcript NM_133497.4 (MANE Select); coding-DNA position 256, C replaced by G.
Protein change: p.Pro86Ala; replaces proline 86 with alanine.
Molecular consequence: missense variant.
Genome position (GRCh38, 1-based): chr9:2,717,995, C>G. VCF-style: chr9-2717995-C-G. GRCh37 (hg19) VCF-style: chr9-2717995-C-G.
Other names: short protein forms P86A.
Identifiers: ClinVar variation 1491556 (VCV001491556.5), dbSNP rs764748937, ClinGen allele CA187970874.

ClinVar aggregate classification (germline): Uncertain significance (1 of 4 stars; one submission).

gnomAD v4.1: 1 of 1,614,102 alleles (0.000062%); highest among the groups gnomAD compares: Non-Finnish European, 0.000085%; no homozygotes.

Submission:

Labcorp Genetics (formerly Invitae), Labcorp
Classification: Uncertain significance. Last evaluated: 2022-07-05. Review status: criteria provided, single submitter. Criteria: Invitae Variant Classification Sherloc (09022015). Collection method: clinical testing. Allele origin: germline.
Comment: This sequence change replaces proline, which is neutral and non-polar, with alanine, which is neutral and non-polar, at codon 86 of the KCNV2 protein (p.Pro86Ala). This variant is not present in population databases (gnomAD no frequency). This variant has not been reported in the literature in individuals affected with KCNV2-related conditions. ClinVar contains an entry for this variant (Variation ID: 1491556). Advanced modeling of protein sequence and biophysical properties (such as structural, functional, and spatial information, amino acid conservation, physicochemical variation, residue mobility, and thermodynamic stability) performed at Invitae indicates that this missense variant is not expected to disrupt KCNV2 protein function. In summary, the available evidence is currently insufficient to determine the role of this variant in disease. Therefore, it has been classified as a Variant of Uncertain Significance.